The following is an entry in ClinVar:

NM_003361.4(UMOD):c.1281C>T (p.Tyr427=)

Gene: UMOD (uromodulin; minus strand). Cytogenetic location: 16p12.3.
Variant type: single nucleotide variant.
Coding change: c.1281C>T on transcript NM_003361.4 (MANE Select); coding-DNA position 1281, C replaced by T.
Protein change: p.Tyr427=; no amino-acid change (tyrosine 427 retained).
Molecular consequence: synonymous variant. On other transcripts: non-coding transcript variant (1).
Genome position (GRCh38, 1-based): chr16:20,344,074, G>A on the plus strand (C>T on the coding strand, the complement: UMOD is on the minus strand). VCF-style: chr16-20344074-G-A. GRCh37 (hg19) VCF-style: chr16-20355396-G-A.
Other names: c.1281C>T, p.Tyr427= (NM_001008389.3, NM_001378232.1, NM_001378233.1 and 3 more transcripts); c.1380C>T, p.Tyr460= (NM_001278614.2).
Identifiers: ClinVar variation 2646278 (VCV002646278.24), dbSNP rs1596552135, ClinGen allele CA493844788.

ClinVar aggregate classification (germline): Likely benign (1 of 4 stars; one submission).

gnomAD v4.1: 8 of 1,613,224 alleles (0.0005%); highest among the groups gnomAD compares: East Asian, 0.013%; no homozygotes.

Submission:

CeGaT Center for Human Genetics Tuebingen
Classification: Likely benign. Last evaluated: 2023-08-01. Review status: criteria provided, single submitter. Criteria: CeGaT Center For Human Genetics Tuebingen Variant Classification Criteria Version 2. Collection method: clinical testing. Allele origin: germline. Affected: yes. Observed: 1 variant allele.
Comment: UMOD: PM2:Supporting, BP4, BP7